The following is an entry in ClinVar:

NM_004006.3(DMD):c.9807+2714C>T

Gene: DMD (dystrophin; minus strand). Cytogenetic location: Xp21.2.
Variant type: single nucleotide variant.
Coding change: c.9807+2714C>T on transcript NM_004006.3 (MANE Select); 2714 bases into the intron after coding-DNA position 9807, C replaced by T.
Molecular consequence: intron variant.
Genome position (GRCh38, 1-based): chrX:31,201,247, G>A on the plus strand (C>T on the coding strand, the complement: DMD is on the minus strand). VCF-style: chrX-31201247-G-A. GRCh37 (hg19) VCF-style: chrX-31219364-G-A.
Other names: c.9783+2714C>T (NM_000109.4); c.5784+2714C>T (NM_004011.4); c.5775+2714C>T (NM_004012.4); c.2427+2714C>T (NM_004023.3, NM_004020.4, NM_004022.3 and 2 more transcripts); c.1620+2714C>T (NM_004014.3); c.603+2714C>T (NM_004018.3, NM_004017.3, NM_004016.3 and 2 more transcripts); c.9795+2714C>T (NM_004009.3); c.9438+2714C>T (NM_004010.3).
Identifiers: ClinVar variation 2138504 (VCV002138504.1), dbSNP rs2520830888, ClinGen allele CA2580100547.

ClinVar aggregate classification (germline): Uncertain significance (1 of 4 stars; one submission).

Conditions:
Duchenne muscular dystrophy (DMD). Also called: MUSCULAR DYSTROPHY, PSEUDOHYPERTROPHIC PROGRESSIVE, DUCHENNE TYPE; Duchenne Muscular Dystrophy (DMD). Identifiers: Orphanet 98896, MedGen C0013264, MONDO:0010679, OMIM 310200.

Submission:

Labcorp Genetics (formerly Invitae), Labcorp
Classification: Uncertain significance for Duchenne muscular dystrophy. Last evaluated: 2021-09-17. Review status: criteria provided, single submitter. Criteria: Invitae Variant Classification Sherloc (09022015). Collection method: clinical testing. Allele origin: germline.
Comment: This sequence change falls in intron 67 of the DMD gene. It does not directly change the encoded amino acid sequence of the DMD protein. RNA analysis indicates that this variant induces altered splicing and may result in an absent or disrupted protein product. The frequency data for this variant in the population databases is considered unreliable, as metrics indicate insufficient coverage at this position in the ExAC database. This variant has been observed in individual(s) with Duchenne muscular dystrophy (PMID: 20485447). Studies have shown that this variant results in altered splicing, which introduces a premature termination codon (PMID: 20485447). The resulting mRNA is expected to undergo nonsense-mediated decay. In summary, the available evidence is currently insufficient to determine the role of this variant in disease. Therefore, it has been classified as a Variant of Uncertain Significance.

Literature cited by the submitters: PubMed 20485447.